The following is an entry in ClinVar:

ClinVar aggregate classification (germline): Benign. Review status: criteria provided, multiple submitters, no conflicts (2 of 4 stars). 3 submissions from 2 submitters: Benign (3). Last evaluated 2018-01-13.

Conditions:
Deficiency of steroid 11-beta-monooxygenase (CYP11B1). Also called: ADRENAL HYPERPLASIA, CONGENITAL, DUE TO STEROID 11-BETA-HYDROXYLASE DEFICIENCY; 11-BETA-HYDROXYLASE DEFICIENCY; ADRENAL HYPERPLASIA IV; P450C11B1 DEFICIENCY; STEROID 11-BETA-HYDROXYLASE DEFICIENCY; Congenital adrenal hyperplasia due to 11-beta-hydroxylase deficiency. Identifiers: Orphanet 90795, MedGen C0268292, MONDO:0008729, OMIM 202010. Disease mechanism: loss of function.
Glucocorticoid-remediable aldosteronism. Also called: Hyperaldosteronism, familial, type I; ACTH-DEPENDENT HYPERALDOSTERONISM SYNDROME; ALDOSTERONISM, SENSITIVE TO DEXAMETHASONE; FH I; GLUCOCORTICOID-SUPPRESSIBLE HYPERALDOSTERONISM. Identifiers: Orphanet 403, MedGen C3838731, MONDO:0007080, OMIM 103900.

Allele frequency attached by ClinVar (database versions not stated): gnomAD 0.67053; TOPMed 0.67454; 1000 Genomes Project 30x 0.75109; 1000 Genomes Project 0.75120.
gnomAD v4.1: 155,588 of 236,862 alleles (66%); highest among the groups gnomAD compares: East Asian, 84%; 52,443 homozygotes.

Submissions (3):

Illumina Laboratory Services, Illumina
Classification: Benign for Deficiency of steroid 11-beta-monooxygenase. Last evaluated: 2018-01-13. Review status: criteria provided, single submitter. Criteria: ICSL Variant Classification Criteria 13 December 2019. Collection method: clinical testing. Allele origin: germline.
Comment: This variant was observed in the ICSL laboratory as part of a predisposition screen in an ostensibly healthy population. It had not been previously curated by ICSL or reported in the Human Gene Mutation Database (HGMD: prior to June 1st, 2018), and was therefore a candidate for classification through an automated scoring system. Utilizing variant allele frequency, disease prevalence and penetrance estimates, and inheritance mode, an automated score was calculated to assess if this variant is too frequent to cause the disease. Based on the score and internal cut-off values, a variant classified as benign is not then subjected to further curation. The score for this variant resulted in a classification of benign for this disease.

Illumina Laboratory Services, Illumina
Classification: Benign for Glucocorticoid-remediable aldosteronism. Last evaluated: 2018-01-13. Review status: criteria provided, single submitter. Criteria: ICSL Variant Classification Criteria 13 December 2019. Collection method: clinical testing. Allele origin: germline.
Comment: the same text as in the submission from Illumina Laboratory Services, Illumina above.

Breakthrough Genomics
Classification: Benign. Review status: criteria provided, single submitter. Criteria: ACMG Guidelines, 2015. Collection method: not provided. Allele origin: germline. Inheritance: Autosomal recessive inheritance. Affected: yes.

NM_000497.4(CYP11B1):c.*471A>C

Gene: CYP11B1 (cytochrome P450 family 11 subfamily B member 1; minus strand). Cytogenetic location: 8q24.3.
Variant type: single nucleotide variant.
Coding change: c.*471A>C on transcript NM_000497.4 (MANE Select); 471 bases downstream of the stop codon, A replaced by C.
Molecular consequence: 3 prime UTR variant.
Genome position (GRCh38, 1-based): chr8:142,873,902, T>G on the plus strand (A>C on the coding strand, the complement: CYP11B1 is on the minus strand). VCF-style: chr8-142873902-T-G. GRCh37 (hg19) VCF-style: chr8-143955318-T-G.
Other names: c.*471A>C (NM_001026213.1).
Identifiers: ClinVar variation 362137 (VCV000362137.6), dbSNP rs12543598, ClinGen allele CA10624947.